The following is an entry in ClinVar:

ClinVar aggregate classification (germline): Uncertain significance. Review status: criteria provided, multiple submitters, no conflicts (2 of 4 stars). 2 submissions from 2 submitters: Uncertain significance (2). Last evaluated 2024-04-15.

Conditions:
Inborn genetic diseases. Identifiers: MedGen C0950123, MeSH D030342.

gnomAD v4.1: 4 of 1,532,910 alleles (0.00026%); highest among the groups gnomAD compares: East Asian, 0.0049%; no homozygotes.

Submissions (2):

Women's Health and Genetics/Laboratory Corporation of America, LabCorp
Classification: Uncertain significance. Last evaluated: 2024-04-15. Review status: criteria provided, single submitter. Criteria: LabCorp Variant Classification Summary - May 2015. Collection method: clinical testing. Allele origin: germline.
Comment: Variant summary: KDM6B c.1423C>A (p.Arg475Ser) results in a non-conservative amino acid change in the encoded protein sequence. Three of five in-silico tools predict a damaging effect of the variant on protein function. The variant allele was found at a frequency of 4.8e-05 in 145702 control chromosomes. The available data on variant occurrences in the general population are insufficient to allow any conclusion about variant significance. To our knowledge, no occurrence of c.1423C>A in individuals affected with Neurodevelopmental Disorder With Coarse Facies And Mild Distal Skeletal Abnormalities and no experimental evidence demonstrating its impact on protein function have been reported. No submitters have cited clinical-significance assessments for this variant to ClinVar. Based on the evidence outlined above, the variant was classified as uncertain significance.

Ambry Genetics
Classification: Uncertain significance for Inborn genetic diseases. Last evaluated: 2023-09-21. Review status: criteria provided, single submitter. Criteria: Ambry Variant Classification Scheme 2023. Collection method: clinical testing. Allele origin: germline.

NM_001348716.2(KDM6B):c.1423C>A (p.Arg475Ser)

Gene: KDM6B (lysine demethylase 6B; plus strand). Cytogenetic location: 17p13.1.
Variant type: single nucleotide variant.
Coding change: c.1423C>A on transcript NM_001348716.2 (MANE Select); coding-DNA position 1423, C replaced by A.
Protein change: p.Arg475Ser; replaces arginine 475 with serine.
Molecular consequence: missense variant.
Genome position (GRCh38, 1-based): chr17:7,847,711, C>A. VCF-style: chr17-7847711-C-A. GRCh37 (hg19) VCF-style: chr17-7751029-C-A.
Other names: c.1423C>A, p.Arg475Ser (NM_001080424.2); short protein forms R475S.
Identifiers: ClinVar variation 3113882 (VCV003113882.2), dbSNP rs774548555, ClinGen allele CA8360644.